The following is an entry in ClinVar:

NM_001127649.3(PEX26):c.461C>T (p.Pro154Leu)

Gene: PEX26 (peroxisomal biogenesis factor 26; plus strand). Cytogenetic location: 22q11.21.
Variant type: single nucleotide variant.
Coding change: c.461C>T on transcript NM_001127649.3 (MANE Select); coding-DNA position 461, C replaced by T.
Protein change: p.Pro154Leu; replaces proline 154 with leucine.
Molecular consequence: missense variant.
Genome position (GRCh38, 1-based): chr22:18,083,526, C>T. VCF-style: chr22-18083526-C-T. GRCh37 (hg19) VCF-style: chr22-18566292-C-T.
Other names: p.Pro154Leu; c.461C>T (NM_017929.5); c.461C>T, p.Pro154Leu (NM_001199319.2, NM_017929.6); short protein forms P154L.
Identifiers: ClinVar variation 500032 (VCV000500032.10), dbSNP rs998546145, ClinGen allele CA321288546.

ClinVar aggregate classification (germline): Uncertain significance. Review status: criteria provided, multiple submitters, no conflicts (2 of 4 stars). 4 submissions from 4 submitters: Uncertain significance (4). Last evaluated 2026-08-28.

Conditions:
PEX26-related disorder. Also called: PEX26-related condition.
Peroxisome biogenesis disorder 7B (PBD7B). Identifiers: Orphanet 44, MedGen C3553951, MONDO:0013939, OMIM 614873.
Peroxisome biogenesis disorder 7A (Zellweger). Also called: Peroxisome biogenesis disorder 7A. Identifiers: Orphanet 912, MedGen C3888385, MONDO:0013938, OMIM 614872.

Allele frequency attached by ClinVar (database versions not stated): gnomAD exomes below 0.00001; gnomAD 0.00002; TOPMed 0.00003.
gnomAD v4.1: 4 of 1,613,978 alleles (0.00025%); highest among the groups gnomAD compares: African/African-American, 0.0053%; no homozygotes.

Submissions (4):

PreventionGenetics, part of Exact Sciences
Classification: Uncertain significance for PEX26-related condition. Last evaluated: 2026-08-28. Review status: criteria provided, single submitter. Criteria: ACMG Guidelines, 2015. Collection method: clinical testing. Allele origin: germline.
Comment: The PEX26 c.461C>T variant is predicted to result in the amino acid substitution p.Pro154Leu. To our knowledge, this variant has not been reported in the literature. This variant is reported in 0.0062% of alleles in individuals of African descent in gnomAD. At this time, the clinical significance of this variant is uncertain due to the absence of conclusive functional and genetic evidence.

Labcorp Genetics (formerly Invitae), Labcorp
Classification: Uncertain significance for Peroxisome biogenesis disorder 7A (Zellweger); Peroxisome biogenesis disorder 7B. Last evaluated: 2025-01-06. Review status: criteria provided, single submitter. Criteria: Invitae Variant Classification Sherloc (09022015). Collection method: clinical testing. Allele origin: germline.
Comment: This sequence change replaces proline, which is neutral and non-polar, with leucine, which is neutral and non-polar, at codon 154 of the PEX26 protein (p.Pro154Leu). This variant is present in population databases (no rsID available, gnomAD 0.007%). This variant has not been reported in the literature in individuals affected with PEX26-related conditions. ClinVar contains an entry for this variant (Variation ID: 500032). Invitae Evidence Modeling of protein sequence and biophysical properties (such as structural, functional, and spatial information, amino acid conservation, physicochemical variation, residue mobility, and thermodynamic stability) has been performed for this missense variant. However, the output from this modeling did not meet the statistical confidence thresholds required to predict the impact of this variant on PEX26 protein function. In summary, the available evidence is currently insufficient to determine the role of this variant in disease. Therefore, it has been classified as a Variant of Uncertain Significance.

Mayo Clinic Laboratories, Mayo Clinic
Classification: Uncertain significance. Last evaluated: 2023-08-25. Review status: criteria provided, single submitter. Criteria: ACMG Guidelines, 2015. Collection method: clinical testing. Allele origin: germline. Observed: 1 variant allele.
Comment: PM2_moderate

Eurofins Ntd Llc (ga)
Classification: Uncertain significance. Last evaluated: 2017-01-18. Review status: criteria provided, single submitter. Criteria: EGL Classification Definitions 2015. Collection method: clinical testing. Allele origin: germline. Observed: 2 variant alleles, 2 heterozygotes.